The following is an entry in ClinVar:

ClinVar aggregate classification (germline): Conflicting classifications of pathogenicity. Review status: criteria provided, conflicting classifications (1 of 4 stars). 2 submissions from 2 submitters: Likely pathogenic (1); Uncertain significance (1). Last evaluated 2022-03-14.

Conditions:
Thyroid dyshormonogenesis 6 (TDH6). Also called: HYPOTHYROIDISM, CONGENITAL, DUE TO DYSHORMONOGENESIS, 6; THYROID HORMONOGENESIS, GENETIC DEFECT IN, 6; Genetic transient congenital hypothyroidism. Identifiers: Orphanet 226316, Orphanet 95716, MedGen C1846632, MONDO:0011792, OMIM 607200.

Allele frequency attached by ClinVar (database versions not stated): gnomAD exomes below 0.00001.
gnomAD v4.1: 2 of 1,614,114 alleles (0.00012%); highest among the groups gnomAD compares: African/African-American, 0.0013%; no homozygotes.

Submissions (2):

Labcorp Genetics (formerly Invitae), Labcorp
Classification: Uncertain significance. Last evaluated: 2022-03-14. Review status: criteria provided, single submitter. Criteria: Invitae Variant Classification Sherloc (09022015). Collection method: clinical testing. Allele origin: germline.
Comment: This sequence change replaces threonine, which is neutral and polar, with isoleucine, which is neutral and non-polar, at codon 1319 of the DUOX2 protein (p.Thr1319Ile). This variant is not present in population databases (gnomAD no frequency). This variant has not been reported in the literature in individuals affected with DUOX2-related conditions. Advanced modeling of protein sequence and biophysical properties (such as structural, functional, and spatial information, amino acid conservation, physicochemical variation, residue mobility, and thermodynamic stability) performed at Invitae indicates that this missense variant is expected to disrupt DUOX2 protein function. In summary, the available evidence is currently insufficient to determine the role of this variant in disease. Therefore, it has been classified as a Variant of Uncertain Significance.

Juno Genomics, Hangzhou Juno Genomics, Inc
Classification: Likely pathogenic for Thyroid dyshormonogenesis 6. Review status: criteria provided, single submitter. Criteria: ACMG Guidelines, 2015. Collection method: clinical testing. Allele origin: germline.
Comment: Absent from controls (or at extremely low frequency if recessive) in Genome Aggregation Database.;Multiple lines of computational evidence support a deleterious effect on the gene or gene product.;For recessive disorders, detected in trans with a pathogenic variant.;Patient's phenotype or family history is highly specific for a disease with a single genetic etiology.

NM_001363711.2(DUOX2):c.3956C>T (p.Thr1319Ile)

Gene: DUOX2 (dual oxidase 2; minus strand). Cytogenetic location: 15q21.1.
Variant type: single nucleotide variant.
Coding change: c.3956C>T on transcript NM_001363711.2 (MANE Select); coding-DNA position 3956, C replaced by T.
Protein change: p.Thr1319Ile; replaces threonine 1319 with isoleucine.
Molecular consequence: missense variant.
Genome position (GRCh38, 1-based): chr15:45,095,952, G>A on the plus strand (C>T on the coding strand, the complement: DUOX2 is on the minus strand). VCF-style: chr15-45095952-G-A. GRCh37 (hg19) VCF-style: chr15-45388150-G-A.
Other names: c.3956C>T, p.Thr1319Ile (NM_014080.5); short protein forms T1319I.
Identifiers: ClinVar variation 1918706 (VCV001918706.4), dbSNP rs2504740504, ClinGen allele CA392253727.